The following is an entry in ClinVar:

NM_001347721.2(DYRK1A):c.2047T>G (p.Phe683Val)

Gene: DYRK1A (dual specificity tyrosine phosphorylation regulated kinase 1A; plus strand). Cytogenetic location: 21q22.13.
Variant type: single nucleotide variant.
Coding change: c.2047T>G on transcript NM_001347721.2 (MANE Select); coding-DNA position 2047, T replaced by G.
Protein change: p.Phe683Val; replaces phenylalanine 683 with valine.
Molecular consequence: missense variant. On other transcripts: 3 prime UTR variant (2).
Genome position (GRCh38, 1-based): chr21:37,512,313, T>G. VCF-style: chr21-37512313-T-G. GRCh37 (hg19) VCF-style: chr21-38884616-T-G.
Other names: c.2047T>G, p.Phe683Val (NM_001347722.2, NM_130436.2); c.1960T>G, p.Phe654Val (NM_001347723.2); c.2074T>G, p.Phe692Val (NM_001396.5); c.*450T>G (NM_101395.2); c.*359T>G (NM_130438.2); short protein forms F654V, F683V, F692V.
Identifiers: ClinVar variation 3766385 (VCV003766385.1).

ClinVar aggregate classification (germline): Uncertain significance (1 of 4 stars; one submission).

Submission:

GeneDx
Classification: Uncertain significance. Last evaluated: 2024-08-26. Review status: criteria provided, single submitter. Criteria: GeneDx Variant Classification Process June 2021. Collection method: clinical testing. Allele origin: germline. Affected: yes.
Comment: Not observed at significant frequency in large population cohorts (gnomAD); In silico analysis indicates that this missense variant does not alter protein structure/function; Has not been previously published as pathogenic or benign to our knowledge